The following is an entry in ClinVar:

NM_004984.4(KIF5A):c.893C>T (p.Thr298Met)

Gene: KIF5A (kinesin family member 5A; plus strand). Cytogenetic location: 12q13.3.
Variant type: single nucleotide variant.
Coding change: c.893C>T on transcript NM_004984.4 (MANE Select); coding-DNA position 893, C replaced by T.
Protein change: p.Thr298Met; replaces threonine 298 with methionine.
Molecular consequence: missense variant.
Genome position (GRCh38, 1-based): chr12:57,569,329, C>T. VCF-style: chr12-57569329-C-T. GRCh37 (hg19) VCF-style: chr12-57963112-C-T.
Other names: c.626C>T, p.Thr209Met (NM_001354705.2); c.893C>T (NM_004984.2); short protein forms T209M, T298M.
Identifiers: ClinVar variation 1501929 (VCV001501929.8), dbSNP rs1303126235, ClinGen allele CA385500732.

ClinVar aggregate classification (germline): Uncertain significance. Review status: criteria provided, multiple submitters, no conflicts (2 of 4 stars). 3 submissions from 3 submitters: Uncertain significance (3). Last evaluated 2024-12-14.

Conditions:
Spastic paraplegia. Identifiers: MedGen C0037772, HP:0001258.

Allele frequency attached by ClinVar (database versions not stated): gnomAD exomes below 0.00001.
gnomAD v4.1: 2 of 1,613,746 alleles (0.00012%); highest among the groups gnomAD compares: Non-Finnish European, 0.000085%; no homozygotes.

Submissions (3):

Labcorp Genetics (formerly Invitae), Labcorp
Classification: Uncertain significance for Spastic paraplegia. Last evaluated: 2024-12-14. Review status: criteria provided, single submitter. Criteria: Invitae Variant Classification Sherloc (09022015). Collection method: clinical testing. Allele origin: germline.
Comment: This sequence change replaces threonine, which is neutral and polar, with methionine, which is neutral and non-polar, at codon 298 of the KIF5A protein (p.Thr298Met). This variant is present in population databases (no rsID available, gnomAD 0.0009%). This variant has not been reported in the literature in individuals affected with KIF5A-related conditions. ClinVar contains an entry for this variant (Variation ID: 1501929). Invitae Evidence Modeling of protein sequence and biophysical properties (such as structural, functional, and spatial information, amino acid conservation, physicochemical variation, residue mobility, and thermodynamic stability) has been performed for this missense variant. However, the output from this modeling did not meet the statistical confidence thresholds required to predict the impact of this variant on KIF5A protein function. In summary, the available evidence is currently insufficient to determine the role of this variant in disease. Therefore, it has been classified as a Variant of Uncertain Significance.

GeneDx
Classification: Uncertain significance. Last evaluated: 2024-09-18. Review status: criteria provided, single submitter. Criteria: GeneDx Variant Classification Process June 2021. Collection method: clinical testing. Allele origin: germline. Affected: yes.
Comment: Not observed at significant frequency in large population cohorts (gnomAD); In silico analysis supports that this missense variant has a deleterious effect on protein structure/function; Has not been previously published as pathogenic or benign to our knowledge; This variant is associated with the following publications: (PMID: 38028604)

Blueprint Genetics
Classification: Uncertain significance. Last evaluated: 2024-03-12. Review status: criteria provided, single submitter. Criteria: ACMG Guidelines, 2015. Collection method: clinical testing. Allele origin: germline.